The following is an entry in ClinVar:

NM_000368.5(TSC1):c.3177C>G (p.Phe1059Leu)

Gene: TSC1 (TSC complex subunit 1; minus strand). Cytogenetic location: 9q34.13.
Variant type: single nucleotide variant.
Coding change: c.3177C>G on transcript NM_000368.5 (MANE Select); coding-DNA position 3177, C replaced by G.
Protein change: p.Phe1059Leu; replaces phenylalanine 1059 with leucine.
Molecular consequence: missense variant.
Genome position (GRCh38, 1-based): chr9:132,896,553, G>C on the plus strand (C>G on the coding strand, the complement: TSC1 is on the minus strand). VCF-style: chr9-132896553-G-C. GRCh37 (hg19) VCF-style: chr9-135771940-G-C.
Other names: c.3174C>G, p.Phe1058Leu (NM_001162426.2); c.3024C>G, p.Phe1008Leu (NM_001162427.2); c.2814C>G, p.Phe938Leu (NM_001362177.2); short protein forms F1059L, F1008L, F1058L, F938L.
Identifiers: ClinVar variation 411214 (VCV000411214.23), dbSNP rs753263747, ClinGen allele CA036094.
Genomic context (GRCh38, chr9:132,896,553, plus strand): 5'-GCCCACAGTGGTGGGGATGCTGGCAGACGCTTCTCCCATAGTCGTCTCCCACCGACTGCT[G>C]AATGGGCCTGCCCTCTGGTGTGGGGGTTTCTCTGGGGTAGAAAGCTCGCTGCTGCTGCTG-3'
Protein context (NP_000359.1, residues 1049-1069): EKPPHQRAGP[Phe1059Leu]SSRWETTMGE

ClinVar aggregate classification (germline): Conflicting classifications of pathogenicity. Review status: criteria provided, conflicting classifications (1 of 4 stars). 7 submissions from 7 submitters: Uncertain significance (4); Benign (2); Likely benign (1). Last evaluated 2026-06-15.

Conditions:
Ovarian cancer. Also called: OVARIAN CANCER, SOMATIC. Identifiers: Orphanet 213500, MedGen C1140680, MONDO:0008170, OMIM 167000.
Hereditary cancer-predisposing syndrome. Also called: Tumor predisposition; Hereditary neoplastic syndrome; Neoplastic Syndromes, Hereditary; Hereditary Cancer Syndrome. Identifiers: Orphanet 140162, MedGen C0027672, MeSH D009386, MONDO:0015356.
Tuberous sclerosis 1 (TSC1). Identifiers: Orphanet 805, MedGen C1854465, MONDO:0008612, OMIM 191100.
Tuberous sclerosis syndrome (TSC). Also called: Tuberous sclerosis; Tuberous Sclerosis Complex. Identifiers: Orphanet 805, MedGen C0041341, MONDO:0001734.

Allele frequency attached by ClinVar (database versions not stated): gnomAD 0.00001; gnomAD exomes below 0.00001; ExAC 0.00001; TOPMed 0.00001.
gnomAD v4.1: 4 of 1,614,088 alleles (0.00025%); highest among the groups gnomAD compares: East Asian, 0.0089%; no homozygotes.

Submissions (7):

Women's Health and Genetics/Laboratory Corporation of America, LabCorp
Classification: Uncertain significance. Last evaluated: 2026-06-15. Review status: criteria provided, single submitter. Criteria: LabCorp Variant Classification Summary - May 2015. Collection method: clinical testing. Allele origin: germline.
Comment: Variant summary: TSC1 c.3177C>G (p.Phe1059Leu) results in a non-conservative amino acid change in the encoded protein sequence. Algorithms developed to predict the effect of missense changes on protein structure and function are either unavailable or do not agree on the potential impact of this missense change. The variant allele was found at a frequency of 4e-06 in 251380 control chromosomes. The available data on variant occurrences in the general population are insufficient to allow any conclusion about variant significance. c.3177C>G has been observed in individual(s) affected with TSC1-related conditions without strong evidence for causality (e.g. Ding_2020, Zhen_2020). These report(s) do not provide unequivocal conclusions about association of the variant with disease. To our knowledge, no experimental evidence demonstrating an impact on protein function has been reported. The following publications have been ascertained in the context of this evaluation (PMID: 32211034, 32320828). ClinVar contains an entry for this variant (Variation ID: 411214). Based on the evidence outlined above, the variant was classified as uncertain significance.

Labcorp Genetics (formerly Invitae), Labcorp
Classification: Benign for Tuberous sclerosis 1. Last evaluated: 2026-01-20. Review status: criteria provided, single submitter. Criteria: Invitae Variant Classification Sherloc (09022015). Collection method: clinical testing. Allele origin: germline.

All of Us Research Program, National Institutes of Health
Classification: Uncertain significance for Tuberous sclerosis syndrome. Last evaluated: 2024-08-06. Review status: criteria provided, single submitter. Criteria: ACMG Guidelines, 2015. Collection method: clinical testing. Allele origin: germline. Inheritance: Autosomal dominant inheritance. Observed: 3 variant alleles, 3 heterozygotes.
Comment: This study involves interpretation of variants in research participants for the purpose of population health screening. Participant phenotype was not available at the time of variant classification. Additional details can be found in publication PMID: 35346344, PMCID: PMC8962531

GeneDx
Classification: Uncertain significance. Last evaluated: 2024-06-12. Review status: criteria provided, single submitter. Criteria: GeneDx Variant Classification Process June 2021. Collection method: clinical testing. Allele origin: germline. Affected: yes.
Comment: In silico analysis indicates that this missense variant does not alter protein structure/function; This variant is associated with the following publications: (PMID: 32320828, 32211034)

Ambry Genetics
Classification: Uncertain significance for Hereditary cancer-predisposing syndrome. Last evaluated: 2024-04-01. Review status: criteria provided, single submitter. Criteria: Ambry Variant Classification Scheme 2023. Collection method: clinical testing. Allele origin: germline.
Comment: The p.F1059L variant (also known as c.3177C>G), located in coding exon 21 of the TSC1 gene, results from a C to G substitution at nucleotide position 3177. The phenylalanine at codon 1059 is replaced by leucine, an amino acid with highly similar properties. This alteration was detected in 1/174 Chinese patients with tuberous sclerosis complex (Ding Y et al. Front Genet, 2020 Mar;11:204). This amino acid position is not well conserved in available vertebrate species. In addition, this alteration is predicted to be tolerated by in silico analysis. Since supporting evidence is limited at this time, the clinical significance of this alteration remains unclear.

Laboratory of Molecular Epidemiology of Birth Defects, West China Second University Hospital, Sichuan University
Classification: Benign for Ovarian cancer. Last evaluated: 2022-01-01. Review status: criteria provided, single submitter. Criteria: ACMG Guidelines, 2015. Collection method: clinical testing. Allele origin: germline. Affected: yes.

Genome-Nilou Lab
Classification: Likely benign for Tuberous sclerosis 1. Last evaluated: 2021-11-07. Review status: criteria provided, single submitter. Criteria: ACMG Guidelines, 2015. Collection method: clinical testing. Allele origin: germline. Affected: no.

Literature cited by the submitters: PubMed 32211034 (cited by Women's Health and Genetics/Laboratory Corporation of America, LabCorp and Ambry Genetics); PubMed 32320828 (cited by Women's Health and Genetics/Laboratory Corporation of America, LabCorp).